The following is an entry in ClinVar:

NM_018961.4(UBASH3A):c.1393+3A>C

Gene: UBASH3A (ubiquitin associated and SH3 domain containing A; plus strand). Cytogenetic location: 21q22.3.
Variant type: single nucleotide variant.
Coding change: c.1393+3A>C on transcript NM_018961.4 (MANE Select); 3 bases into the intron after coding-DNA position 1393, A replaced by C.
Molecular consequence: intron variant.
Genome position (GRCh38, 1-based): chr21:42,434,957, A>C. VCF-style: chr21-42434957-A-C. GRCh37 (hg19) VCF-style: chr21-43855067-A-C.
Other names: NC_000021.8:g.43855067A>C; c.1279+3A>C (NM_001001895.3, NM_001243467.2).
Identifiers: ClinVar variation 1232058 (VCV001232058.5), dbSNP rs1893592, ClinGen allele CA10043423.
Genomic context (GRCh38, chr21:42,434,957, plus strand): 5'-GACTTTGAAAACGATCCCCCATTATCATCGTGTGGCATTTTCCAGTCCAGAATTGCAGGT[A>C]TGTTTGAGGACTGTCTAGTAGGAAAGGTAACAATAACAGCAACACTGATTATGGCTAGCA-3'

ClinVar aggregate classification (germline): Benign. Review status: criteria provided, multiple submitters, no conflicts (2 of 4 stars). 2 submissions from 2 submitters: Benign (2). Last evaluated 2019-08-23.

Allele frequency attached by ClinVar (database versions not stated): ESP Exome Variant Server 0.20675; gnomAD 0.21988 and 0.22376; 1000 Genomes Project 0.21126; 1000 Genomes Project 30x 0.20706; ExAC 0.26081.
gnomAD v4.1: 444,434 of 1,613,522 alleles (28%); highest among the groups gnomAD compares: Admixed American, 33%; 64,482 homozygotes.

Submissions (11):

GeneDx
Classification: Benign. Last evaluated: 2019-08-23. Review status: criteria provided, single submitter. Criteria: GeneDx Variant Classification Process June 2021. Collection method: clinical testing. Allele origin: germline. Affected: yes.
Comment: This variant is associated with the following publications: (PMID: 29491471)

Breakthrough Genomics
Classification: Benign. Review status: criteria provided, single submitter. Criteria: ACMG Guidelines, 2015. Collection method: not provided. Allele origin: germline. Inheritance: Unknown mechanism. Affected: yes.

Dr. Peter K. Rogan Lab, Western University
No classification provided (evidence only). Condition: Malignant lymphoma, large B-cell, diffuse. Review status: no classification provided. Collection method: in vitro. Allele origin: not applicable. Functional consequence: retained intron. Not counted in ClinVar's aggregate classification.

Dr. Peter K. Rogan Lab, Western University
No classification provided (evidence only). Condition: Malignant lymphoma, large B-cell, diffuse. Review status: no classification provided. Collection method: in vitro. Allele origin: not applicable. Functional consequence: retained intron. Not counted in ClinVar's aggregate classification.

Dr. Peter K. Rogan Lab, Western University
No classification provided (evidence only). Condition: Malignant lymphoma, large B-cell, diffuse. Review status: no classification provided. Collection method: in vitro. Allele origin: not applicable. Functional consequence: retained intron. Not counted in ClinVar's aggregate classification.

Dr. Peter K. Rogan Lab, Western University
No classification provided (evidence only). Condition: Malignant lymphoma, large B-cell, diffuse. Review status: no classification provided. Collection method: in vitro. Allele origin: not applicable. Functional consequence: retained intron. Not counted in ClinVar's aggregate classification.

Dr. Peter K. Rogan Lab, Western University
No classification provided (evidence only). Condition: Malignant lymphoma, large B-cell, diffuse. Review status: no classification provided. Collection method: in vitro. Allele origin: not applicable. Functional consequence: retained intron. Not counted in ClinVar's aggregate classification.

Dr. Peter K. Rogan Lab, Western University
No classification provided (evidence only). Condition: Malignant lymphoma, large B-cell, diffuse. Review status: no classification provided. Collection method: in vitro. Allele origin: not applicable. Functional consequence: skipped exon, retained intron. Not counted in ClinVar's aggregate classification.

Dr. Peter K. Rogan Lab, Western University
No classification provided (evidence only). Condition: Malignant lymphoma, large B-cell, diffuse. Review status: no classification provided. Collection method: in vitro. Allele origin: not applicable. Functional consequence: skipped exon, retained intron. Not counted in ClinVar's aggregate classification.

Dr. Peter K. Rogan Lab, Western University
No classification provided (evidence only). Condition: Malignant lymphoma, large B-cell, diffuse. Review status: no classification provided. Collection method: in vitro. Allele origin: not applicable. Functional consequence: skipped exon, retained intron. Not counted in ClinVar's aggregate classification.

Dr. Peter K. Rogan Lab, Western University
No classification provided (evidence only). Condition: Hepatocellular carcinoma. Review status: no classification provided. Collection method: in vitro. Allele origin: not applicable. Functional consequence: retained intron. Not counted in ClinVar's aggregate classification.